The following is an entry in ClinVar:

ClinVar aggregate classification (germline): Uncertain significance (1 of 4 stars; one submission).

Submission:

Labcorp Genetics (formerly Invitae), Labcorp
Classification: Uncertain significance. Last evaluated: 2024-01-16. Review status: criteria provided, single submitter. Criteria: Invitae Variant Classification Sherloc (09022015). Collection method: clinical testing. Allele origin: germline.
Comment: This sequence change replaces alanine, which is neutral and non-polar, with valine, which is neutral and non-polar, at codon 578 of the PNPT1 protein (p.Ala578Val). This variant is not present in population databases (gnomAD no frequency). This variant has not been reported in the literature in individuals affected with PNPT1-related conditions. Advanced modeling of protein sequence and biophysical properties (such as structural, functional, and spatial information, amino acid conservation, physicochemical variation, residue mobility, and thermodynamic stability) performed at Invitae indicates that this missense variant is expected to disrupt PNPT1 protein function with a positive predictive value of 80%. In summary, the available evidence is currently insufficient to determine the role of this variant in disease. Therefore, it has been classified as a Variant of Uncertain Significance.

NM_033109.5(PNPT1):c.1733C>T (p.Ala578Val)

Gene: PNPT1 (polyribonucleotide nucleotidyltransferase 1; minus strand). Cytogenetic location: 2p16.1.
Variant type: single nucleotide variant.
Coding change: c.1733C>T on transcript NM_033109.5 (MANE Select); coding-DNA position 1733, C replaced by T.
Protein change: p.Ala578Val; replaces alanine 578 with valine.
Molecular consequence: missense variant.
Genome position (GRCh38, 1-based): chr2:55,646,264, G>A on the plus strand (C>T on the coding strand, the complement: PNPT1 is on the minus strand). VCF-style: chr2-55646264-G-A. GRCh37 (hg19) VCF-style: chr2-55873399-G-A.
Other names: short protein forms A578V.
Identifiers: ClinVar variation 2709530 (VCV002709530.3), dbSNP rs2529487046, ClinGen allele CA346925408.